The following is an entry in ClinVar:

NM_013444.4(UBQLN2):c.1279C>G (p.Arg427Gly)

Gene: UBQLN2 (ubiquilin 2; plus strand). Cytogenetic location: Xp11.21.
Variant type: single nucleotide variant.
Coding change: c.1279C>G on transcript NM_013444.4 (MANE Select); coding-DNA position 1279, C replaced by G.
Protein change: p.Arg427Gly; replaces arginine 427 with glycine.
Molecular consequence: missense variant.
Genome position (GRCh38, 1-based): chrX:56,565,152, C>G. VCF-style: chrX-56565152-C-G. GRCh37 (hg19) VCF-style: chrX-56591585-C-G.
Other names: short protein forms R427G.
Identifiers: ClinVar variation 1357319 (VCV001357319.8), dbSNP rs2068634857, ClinGen allele CA413380234.

ClinVar aggregate classification (germline): Uncertain significance (1 of 4 stars; one submission).

Conditions:
Amyotrophic lateral sclerosis type 15. Also called: AMYOTROPHIC LATERAL SCLEROSIS 15 WITH FRONTOTEMPORAL DEMENTIA. Identifiers: Orphanet 803, MedGen C3275459, MONDO:0010459, OMIM 300857.

Allele frequency attached by ClinVar (database versions not stated): TOPMed 0.00001.

Submission:

Labcorp Genetics (formerly Invitae), Labcorp
Classification: Uncertain significance for Amyotrophic lateral sclerosis type 15. Last evaluated: 2021-05-30. Review status: criteria provided, single submitter. Criteria: Invitae Variant Classification Sherloc (09022015). Collection method: clinical testing. Allele origin: germline.
Comment: In summary, the available evidence is currently insufficient to determine the role of this variant in disease. Therefore, it has been classified as a Variant of Uncertain Significance. Algorithms developed to predict the effect of missense changes on protein structure and function are either unavailable or do not agree on the potential impact of this missense change (SIFT: "Not Available"; PolyPhen-2: "Possibly Damaging"; Align-GVGD: "Not Available"). This variant has not been reported in the literature in individuals with UBQLN2-related conditions. This variant is not present in population databases (ExAC no frequency). This sequence change replaces arginine with glycine at codon 427 of the UBQLN2 protein (p.Arg427Gly). The arginine residue is highly conserved and there is a moderate physicochemical difference between arginine and glycine.